The following is an entry in ClinVar:

NM_000891.3(KCNJ2):c.282G>A (p.Leu94=)

Gene: KCNJ2 (potassium inwardly rectifying channel subfamily J member 2; plus strand). Cytogenetic location: 17q24.3.
Variant type: single nucleotide variant.
Coding change: c.282G>A on transcript NM_000891.3 (MANE Select); coding-DNA position 282, G replaced by A.
Protein change: p.Leu94=; no amino-acid change (leucine 94 retained).
Molecular consequence: synonymous variant.
Genome position (GRCh38, 1-based): chr17:70,175,321, G>A. VCF-style: chr17-70175321-G-A. GRCh37 (hg19) VCF-style: chr17-68171462-G-A.
Other names: c.282G>A (NM_000891.2).
Identifiers: ClinVar variation 1118005 (VCV001118005.13), dbSNP rs776798798, ClinGen allele CA8738709.
Genomic context (GRCh38, chr17:70,175,321, plus strand): 5'-CACGTGTGTGGACATTCGCTGGCGGTGGATGCTGGTTATCTTCTGCCTGGCTTTCGTCCT[G>A]TCATGGCTGTTTTTTGGCTGTGTGTTTTGGTTGATAGCTCTGCTCCATGGGGACCTGGAT-3'
Protein context (NP_000882.1, residues 84-104): MLVIFCLAFV[Leu94=]SWLFFGCVFW

ClinVar aggregate classification (germline): Likely benign. Review status: criteria provided, multiple submitters, no conflicts (2 of 4 stars). 4 submissions from 4 submitters: Likely benign (4). Last evaluated 2026-04-01.

Conditions:
Cardiovascular phenotype. Identifiers: MedGen CN230736.
Andersen Tawil syndrome (LQT7). Also called: Potassium-sensitive periodic paralysis, ventricular ectopy, and dysmorphic features; ANDERSEN CARDIODYSRHYTHMIC PERIODIC PARALYSIS; Andersen Syndrome; LONG QT SYNDROME 7; PERIODIC PARALYSIS, POTASSIUM-SENSITIVE CARDIODYSRHYTHMIC TYPE. Identifiers: Orphanet 37553, MedGen C1563715, MONDO:0008222, OMIM 170390.
Short QT syndrome type 3. Identifiers: Orphanet 51083, MedGen C1865018, MONDO:0012314, OMIM 609622.

Allele frequency attached by ClinVar (database versions not stated): gnomAD 0.00001 and 0.00002; TOPMed 0.00002; gnomAD exomes 0.00003 and 0.00006; ExAC 0.00005.
gnomAD v4.1: 51 of 1,614,100 alleles (0.0032%); highest among the groups gnomAD compares: Admixed American, 0.015%; no homozygotes.

Submissions (4):

CeGaT Center for Human Genetics Tuebingen
Classification: Likely benign. Last evaluated: 2026-04-01. Review status: criteria provided, single submitter. Criteria: CeGaT Center For Human Genetics Tuebingen Variant Classification Criteria Version 2. Collection method: clinical testing. Allele origin: germline. Affected: yes. Observed: 1 variant allele.
Comment: KCNJ2: BP4, BP7

Labcorp Genetics (formerly Invitae), Labcorp
Classification: Likely benign for Short QT syndrome type 3; Andersen Tawil syndrome. Last evaluated: 2025-09-10. Review status: criteria provided, single submitter. Criteria: Invitae Variant Classification Sherloc (09022015). Collection method: clinical testing. Allele origin: germline.

Blueprint Genetics
Classification: Likely benign. Last evaluated: 2024-10-21. Review status: criteria provided, single submitter. Criteria: ACMG Guidelines, 2015. Collection method: clinical testing. Allele origin: germline.

Ambry Genetics
Classification: Likely benign for Cardiovascular phenotype. Last evaluated: 2022-12-18. Review status: criteria provided, single submitter. Criteria: Ambry Variant Classification Scheme 2023. Collection method: clinical testing. Allele origin: germline.